The following is an entry in ClinVar:

NM_002890.3(RASA1):c.785del (p.Leu262fs)

Genes: CCNH (cyclin H; minus strand), RASA1 (RAS p21 protein activator 1; plus strand). Cytogenetic location: 5q14.3.
Variant type: Deletion.
Coding change: c.785del on transcript NM_002890.3 (MANE Select); coding-DNA position 785, one base deleted (T; older notation c.785delT).
Protein change: p.Leu262fs; shifts the reading frame from leucine 262.
Molecular consequence: frameshift variant. On other transcripts: intron variant (1).
Genome position (GRCh38, 1-based): chr5:87,332,599, T deleted; the last of 3 consecutive T bases (chr5:87,332,597-87,332,599); deleting any one gives the same sequence. VCF-style (leftmost placement, unchanged base first): chr5-87332596-GT-G. GRCh37 (hg19) VCF-style: chr5-86628413-GT-G.
Other names: c.254del, p.Leu85fs (NM_022650.3); c.934-19802del (NM_001364075.2); short protein forms L85fs, L262fs.
Identifiers: ClinVar variation 3723244 (VCV003723244.2).

ClinVar aggregate classification (germline): Pathogenic (1 of 4 stars; one submission).

Conditions:
Capillary malformation-arteriovenous malformation syndrome. Also called: Capillary malformation-arteriovenous malformation. Identifiers: Orphanet 137667, MedGen C1842180, MONDO:0012016.

Submission:

Labcorp Genetics (formerly Invitae), Labcorp
Classification: Pathogenic for Capillary malformation-arteriovenous malformation syndrome. Last evaluated: 2024-10-18. Review status: criteria provided, single submitter. Criteria: Invitae Variant Classification Sherloc (09022015). Collection method: clinical testing. Allele origin: germline.
Comment: This sequence change creates a premature translational stop signal (p.Leu262Cysfs*17) in the RASA1 gene. It is expected to result in an absent or disrupted protein product. Loss-of-function variants in RASA1 are known to be pathogenic (PMID: 24038909). This variant is not present in population databases (gnomAD no frequency). This variant has not been reported in the literature in individuals affected with RASA1-related conditions. For these reasons, this variant has been classified as Pathogenic.

Literature cited by the submitters: PubMed 24038909.